The following is an entry in ClinVar:

NM_001174089.2(SLC4A11):c.1766G>A (p.Arg589Gln)

Gene: SLC4A11 (solute carrier family 4 member 11; minus strand). Cytogenetic location: 20p13.
Variant type: single nucleotide variant.
Coding change: c.1766G>A on transcript NM_001174089.2 (MANE Select); coding-DNA position 1766, G replaced by A.
Protein change: p.Arg589Gln; replaces arginine 589 with glutamine.
Molecular consequence: missense variant. On other transcripts: non-coding transcript variant (3).
Genome position (GRCh38, 1-based): chr20:3,229,429, C>T on the plus strand (G>A on the coding strand, the complement: SLC4A11 is on the minus strand). VCF-style: chr20-3229429-C-T. GRCh37 (hg19) VCF-style: chr20-3210075-C-T.
Other names: c.1895G>A, p.Arg632Gln (NM_001174090.2); c.1652G>A, p.Arg551Gln (NM_001363745.2); c.1709G>A, p.Arg570Gln (NM_001400277.1, NM_001400278.1, NM_001400279.1); c.1781G>A, p.Arg594Gln (NM_001400280.1); c.1814G>A, p.Arg605Gln (NM_032034.4); short protein forms R570Q, R594Q, R605Q, R551Q, R589Q, R632Q.
Identifiers: ClinVar variation 3705102 (VCV003705102.2).

ClinVar aggregate classification (germline): Uncertain significance (1 of 4 stars; one submission).

Submission:

Labcorp Genetics (formerly Invitae), Labcorp
Classification: Uncertain significance. Last evaluated: 2024-12-27. Review status: criteria provided, single submitter. Criteria: Invitae Variant Classification Sherloc (09022015). Collection method: clinical testing. Allele origin: germline.
Comment: This sequence change replaces arginine, which is basic and polar, with glutamine, which is neutral and polar, at codon 605 of the SLC4A11 protein (p.Arg605Gln). This variant is present in population databases (rs778924154, gnomAD 0.003%). This variant has not been reported in the literature in individuals affected with SLC4A11-related conditions. Invitae Evidence Modeling of protein sequence and biophysical properties (such as structural, functional, and spatial information, amino acid conservation, physicochemical variation, residue mobility, and thermodynamic stability) has been performed for this missense variant. However, the output from this modeling did not meet the statistical confidence thresholds required to predict the impact of this variant on SLC4A11 protein function. In summary, the available evidence is currently insufficient to determine the role of this variant in disease. Therefore, it has been classified as a Variant of Uncertain Significance.